The following is an entry in ClinVar:

ClinVar aggregate classification (germline): Likely benign (1 of 4 stars; one submission).

Allele frequency attached by ClinVar (database versions not stated): gnomAD 0.00001; TOPMed 0.00002.
gnomAD v4.1: 1 of 151,740 alleles (0.00066%); highest among the groups gnomAD compares: Non-Finnish European, 0.0015%; no homozygotes.

Submission:

CeGaT Center for Human Genetics Tuebingen
Classification: Likely benign. Last evaluated: 2023-10-01. Review status: criteria provided, single submitter. Criteria: CeGaT Center For Human Genetics Tuebingen Variant Classification Criteria Version 2. Collection method: clinical testing. Allele origin: germline. Affected: yes. Observed: 1 variant allele.
Comment: KDM5B: BP4, BP7

NM_006618.5(KDM5B):c.576+328C>T

Gene: KDM5B (lysine demethylase 5B; minus strand). Cytogenetic location: 1q32.1.
Variant type: single nucleotide variant.
Coding change: c.576+328C>T on transcript NM_006618.5 (MANE Select); 328 bases into the intron after coding-DNA position 576, C replaced by T.
Molecular consequence: intron variant.
Genome position (GRCh38, 1-based): chr1:202,772,790, G>A on the plus strand (C>T on the coding strand, the complement: KDM5B is on the minus strand). VCF-style: chr1-202772790-G-A. GRCh37 (hg19) VCF-style: chr1-202741918-G-A.
Other names: c.561+328C>T (NM_001399817.1); c.576+328C>T (NM_001347591.2, NM_001314042.2).
Identifiers: ClinVar variation 2639806 (VCV002639806.24), dbSNP rs1656773785, ClinGen allele CA1011286489.